The following is an entry in ClinVar:

ClinVar aggregate classification (germline): Uncertain significance (1 of 4 stars; one submission).

Conditions:
Inborn genetic diseases. Identifiers: MedGen C0950123, MeSH D030342.

Allele frequency attached by ClinVar (database versions not stated): gnomAD exomes below 0.00001.
gnomAD v4.1: 1 of 1,197,540 alleles (0.000084%); highest among the groups gnomAD compares: Middle Eastern, 0.023%; no homozygotes.

Submission:

Ambry Genetics
Classification: Uncertain significance for Inborn genetic diseases. Last evaluated: 2020-06-17. Review status: criteria provided, single submitter. Criteria: Ambry Variant Classification Scheme 2023. Collection method: clinical testing. Allele origin: germline.
Comment: The alteration results in an amino acid change:_x000D_ _x000D_ The c.1940C>T (p.S647F) alteration is located in coding exon 12 of the GRIA3 gene. This alteration results from a C to T substitution at nucleotide position 1940, causing the serine (S) at amino acid position 647 to be replaced by a phenylalanine (F). The alteration is not observed in population databases: _x000D_ _x000D_ Based on data from the Genome Aggregation Database (gnomAD), the GRIA3 c.1940C>T alteration was not observed, with coverage at this position. The altered amino acid is conserved throughout evolution:_x000D_ _x000D_ The p.S647 amino acid is conserved in available vertebrate species. The alteration is predicted deleterious by in silico modeling:_x000D_ _x000D_ The p.S647F alteration is predicted to be deleterious by in silico analysis. Based on insufficient or conflicting evidence, the clinical significance of this alteration remains unclear.

NM_007325.5(GRIA3):c.1940C>T (p.Ser647Phe)

Gene: GRIA3 (glutamate ionotropic receptor AMPA type subunit 3; plus strand). Cytogenetic location: Xq25.
Variant type: single nucleotide variant.
Coding change: c.1940C>T on transcript NM_007325.5 (MANE Select); coding-DNA position 1940, C replaced by T.
Protein change: p.Ser647Phe; replaces serine 647 with phenylalanine.
Molecular consequence: missense variant.
Genome position (GRCh38, 1-based): chrX:123,428,003, C>T. VCF-style: chrX-123428003-C-T. GRCh37 (hg19) VCF-style: chrX-122561854-C-T.
Other names: c.1940C>T, p.Ser647Phe (NM_000828.5); short protein forms S647F.
Identifiers: ClinVar variation 521549 (VCV000521549.5), dbSNP rs1556319965, ClinGen allele CA414259793.